The following is an entry in ClinVar:

NM_001164508.2(NEB):c.9954T>G (p.Tyr3318Ter)

Gene: NEB (nebulin; minus strand). Cytogenetic location: 2q23.3.
Variant type: single nucleotide variant.
Coding change: c.9954T>G on transcript NM_001164508.2 (MANE Select); coding-DNA position 9954, T replaced by G.
Protein change: p.Tyr3318Ter; replaces tyrosine 3318 with a stop codon.
Molecular consequence: nonsense.
Genome position (GRCh38, 1-based): chr2:151,627,712, A>C on the plus strand (T>G on the coding strand, the complement: NEB is on the minus strand). VCF-style: chr2-151627712-A-C. GRCh37 (hg19) VCF-style: chr2-152484226-A-C.
Other names: c.9954T>G, p.Tyr3318Ter (NM_001164507.2, NM_001271208.2); c.9225T>G, p.Tyr3075Ter (NM_004543.5); short protein forms Y3318*, Y3075*.
Identifiers: ClinVar variation 856292 (VCV000856292.7), dbSNP rs763541152, ClinGen allele CA348795671.
Genomic context (GRCh38, chr2:151,627,712, plus strand): 5'-CACTCCCAGCATGTCCACTGGGCTGCTGAACTTGGTCTTCCACTTCTCAAAGTCCTTCTT[A>C]TACTCCCTGTCACTCTGGATCTTGGCCACATGCATGGACCACATCATCTTGGGGTCATCT-3'

ClinVar aggregate classification (germline): Pathogenic (1 of 4 stars; one submission).

Conditions:
Nemaline myopathy 2 (NEM2). Also called: Nemaline myopathy 2, autosomal recessive. Identifiers: MedGen C1850569, MONDO:0009725, OMIM 256030.

Submission:

Labcorp Genetics (formerly Invitae), Labcorp
Classification: Pathogenic for Nemaline myopathy 2. Last evaluated: 2019-01-23. Review status: criteria provided, single submitter. Criteria: Invitae Variant Classification Sherloc (09022015). Collection method: clinical testing. Allele origin: germline.
Comment: For these reasons, this variant has been classified as Pathogenic. Loss-of-function variants in NEB are known to be pathogenic (PMID: 25205138). This variant has not been reported in the literature in individuals with NEB-related conditions. This variant is not present in population databases (ExAC no frequency). This sequence change creates a premature translational stop signal (p.Tyr3318*) in the NEB gene. It is expected to result in an absent or disrupted protein product.

Literature cited by the submitters: PubMed 25205138.